The following is an entry in ClinVar:

NM_001365951.3(KIF1B):c.2470G>C (p.Val824Leu)

Gene: KIF1B (kinesin family member 1B; plus strand). Cytogenetic location: 1p36.22.
Variant type: single nucleotide variant.
Coding change: c.2470G>C on transcript NM_001365951.3 (MANE Select); coding-DNA position 2470, G replaced by C.
Protein change: p.Val824Leu; replaces valine 824 with leucine.
Molecular consequence: missense variant.
Genome position (GRCh38, 1-based): chr1:10,323,995, G>C. VCF-style: chr1-10323995-G-C. GRCh37 (hg19) VCF-style: chr1-10384053-G-C.
Other names: c.2470G>C, p.Val824Leu (NM_001365952.1); c.2332G>C, p.Val778Leu (NM_015074.3); short protein forms V824L, V778L.
Identifiers: ClinVar variation 1789740 (VCV001789740.3), dbSNP rs377108781, ClinGen allele CA581533.

ClinVar aggregate classification (germline): Uncertain significance (1 of 4 stars; one submission).

Allele frequency attached by ClinVar (database versions not stated): TOPMed 0.00001; ESP Exome Variant Server 0.00015.
gnomAD v4.1: 1 of 1,614,090 alleles (0.000062%); highest among the groups gnomAD compares: African/African-American, 0.0013%; no homozygotes.

Submission:

Ambry Genetics
Classification: Uncertain significance. Last evaluated: 2025-08-11. Review status: criteria provided, single submitter. Criteria: Ambry Variant Classification Scheme 2023. Collection method: clinical testing. Allele origin: germline.
Comment: The p.V778L variant (also known as c.2332G>C), located in coding exon 22 of the KIF1B gene, results from a G to C substitution at nucleotide position 2332. The valine at codon 778 is replaced by leucine, an amino acid with highly similar properties. This amino acid position is conserved. In addition, the in silico prediction for this alteration is inconclusive. Since supporting evidence is limited at this time, the clinical significance of this alteration remains unclear.